The following is an entry in ClinVar:

ClinVar aggregate classification (germline): Uncertain significance (1 of 4 stars; one submission).

Conditions:
Familial temporal lobe epilepsy 7. Identifiers: Orphanet 101046, MedGen C4225327, MONDO:0014639, OMIM 616436.
Norman-Roberts syndrome (LIS2). Also called: Lissencephaly 2 (Norman-Roberts type). Identifiers: Orphanet 89844, MedGen C0796089, MONDO:0009760, OMIM 257320.

Allele frequency attached by ClinVar (database versions not stated): gnomAD exomes below 0.00001; TOPMed below 0.00001; ExAC 0.00001.
gnomAD v4.1: 2 of 1,612,732 alleles (0.00012%); highest among the groups gnomAD compares: Admixed American, 0.0017%; no homozygotes.

Submission:

Labcorp Genetics (formerly Invitae), Labcorp
Classification: Uncertain significance for Familial temporal lobe epilepsy 7; Norman-Roberts syndrome. Last evaluated: 2024-09-06. Review status: criteria provided, single submitter. Criteria: Invitae Variant Classification Sherloc (09022015). Collection method: clinical testing. Allele origin: germline.
Comment: This sequence change falls in intron 1 of the RELN gene. It does not directly change the encoded amino acid sequence of the RELN protein. It affects a nucleotide within the consensus splice site. This variant is present in population databases (rs777492435, gnomAD 0.0009%). This variant has not been reported in the literature in individuals affected with RELN-related conditions. Variants that disrupt the consensus splice site are a relatively common cause of aberrant splicing (PMID: 17576681, 9536098). Algorithms developed to predict the effect of sequence changes on RNA splicing suggest that this variant may disrupt the consensus splice site. In summary, the available evidence is currently insufficient to determine the role of this variant in disease. Therefore, it has been classified as a Variant of Uncertain Significance.

Literature cited by the submitters: PubMed 17576681; PubMed 9536098.

NM_005045.4(RELN):c.226+6T>C

Gene: RELN (reelin; minus strand). Cytogenetic location: 7q22.1.
Variant type: single nucleotide variant.
Coding change: c.226+6T>C on transcript NM_005045.4 (MANE Select); 6 bases into the intron after coding-DNA position 226, T replaced by C.
Molecular consequence: intron variant.
Genome position (GRCh38, 1-based): chr7:103,989,125, A>G on the plus strand (T>C on the coding strand, the complement: RELN is on the minus strand). VCF-style: chr7-103989125-A-G. GRCh37 (hg19) VCF-style: chr7-103629572-A-G.
Other names: c.226+6T>C (NM_173054.3).
Identifiers: ClinVar variation 2947452 (VCV002947452.3), dbSNP rs777492435, ClinGen allele CA4422691.